The following is an entry in ClinVar:

NM_002435.3(MPI):c.942_949delinsGG (p.Tyr314_Ser317delinsTer)

Gene: MPI (mannose phosphate isomerase; plus strand). Cytogenetic location: 15q24.1.
Variant type: Indel.
Coding change: c.942_949delinsGG on transcript NM_002435.3 (MANE Select); coding-DNA positions 942 to 949, TACCCCTA replaced by GG.
Protein change: p.Tyr314_Ser317delinsTer.
Molecular consequence: nonsense. On other transcripts: intron variant (1).
Genome position (GRCh38, 1-based): chr15:74,897,108-74,897,115, TACCCCTA replaced by GG. VCF-style: chr15-74897108-TACCCCTA-GG. GRCh37 (hg19) VCF-style: chr15-75189449-TACCCCTA-GG.
Other names: c.792_799delinsGG, p.Tyr264_Ser267delinsTer (NM_001289156.2); c.759_766delinsGG, p.Tyr253_Ser256delinsTer (NM_001289157.2); c.882_889delinsGG, p.Tyr294_Ser297delinsTer (NM_001330372.2); c.845-404_845-397delinsGG (NM_001289155.2).
Identifiers: ClinVar variation 4815046 (VCV004815046.1).

ClinVar aggregate classification (germline): Likely pathogenic (1 of 4 stars; one submission).

Conditions:
MPI-congenital disorder of glycosylation. Also called: CONGENITAL DISORDER OF GLYCOSYLATION, TYPE Ib; CDG Ib; MANNOSEPHOSPHATE ISOMERASE DEFICIENCY; PROTEIN-LOSING ENTEROPATHY-HEPATIC FIBROSIS SYNDROME; MPI-CDG; MPI DEFICIENCY. Identifiers: Orphanet 79319, MedGen C1865145, MONDO:0011257, OMIM 602579.

Submission:

Natera, Inc.
Classification: Likely pathogenic for Congenital disorder of glycosylation type 1b. Last evaluated: 2024-06-18. Review status: criteria provided, single submitter. Criteria: Natera Variant Classification Schema (03/2026). Collection method: clinical testing. Allele origin: germline.
Comment: The c.942_949delinsGG variant in MPI is a deletion-insertion (delins) variant predicted to replace one or more nucleotides with a different sequence. This variant is expected to result in nonsense mediated decay, truncation, or a dysfunctional protein product. This variant is rare in the general population with a frequency below the threshold expected for the associated phenotype(s). Given the available evidence, this variant is classified as Likely Pathogenic.